The following is an entry in ClinVar:

NM_201384.3(PLEC):c.10578G>A (p.Leu3526=)

Gene: PLEC (plectin; minus strand). Cytogenetic location: 8q24.3.
Variant type: single nucleotide variant.
Coding change: c.10578G>A on transcript NM_201384.3 (MANE Select); coding-DNA position 10578, G replaced by A.
Protein change: p.Leu3526=; no amino-acid change (leucine 3526 retained).
Molecular consequence: synonymous variant.
Genome position (GRCh38, 1-based): chr8:143,919,243, C>T on the plus strand (G>A on the coding strand, the complement: PLEC is on the minus strand). VCF-style: chr8-143919243-C-T. GRCh37 (hg19) VCF-style: chr8-144993411-C-T.
Other names: c.10659G>A (NM_000445.4); c.10659G>A, p.Leu3553= (NM_000445.5); c.10536G>A, p.Leu3512= (NM_201378.4); c.10512G>A, p.Leu3504= (NM_201379.3); c.10989G>A, p.Leu3663= (NM_201380.4); c.10482G>A, p.Leu3494= (NM_201381.3); c.10578G>A, p.Leu3526= (NM_201382.4); c.10590G>A, p.Leu3530= (NM_201383.3).
Identifiers: ClinVar variation 1125640 (VCV001125640.10), dbSNP rs782595087, ClinGen allele CA4924604.

ClinVar aggregate classification (germline): Likely benign. Review status: criteria provided, multiple submitters, no conflicts (2 of 4 stars). 2 submissions from 2 submitters: Likely benign (2). Last evaluated 2026-08-20.

Conditions:
PLEC-related disorder. Also called: PLEC-related disorders; PLEC-related condition.
Epidermolysis bullosa simplex with nail dystrophy (EBS5D). Identifiers: MedGen C4225309, MONDO:0014661, OMIM 616487.
Autosomal recessive limb-girdle muscular dystrophy type 2Q (LGMDR17). Also called: MUSCULAR DYSTROPHY, LIMB-GIRDLE, AUTOSOMAL RECESSIVE 17. Identifiers: Orphanet 254361, MedGen C3150989, MONDO:0013390, OMIM 613723.
Epidermolysis bullosa simplex, Ogna type (EBS5A). Also called: Pidermolysis bullosa simplex 5A, Ogna type; EPIDERMOLYSIS BULLOSA SIMPLEX 5A, OGNA TYPE. Identifiers: Orphanet 79401, MedGen C0432317, MONDO:0007555, OMIM 131950.
Epidermolysis bullosa simplex 5C, with pyloric atresia (EBS5C). Also called: PLEC-Related Epidermolysis Bullosa with Pyloric Atresia; Epidermolysis bullosa simplex with pyloric atresia; PLEC1-Related Epidermolysis Bullosa with Pyloric Atresia. Identifiers: Orphanet 158684, MedGen C2677349, MONDO:0012807, OMIM 612138.
Epidermolysis bullosa simplex 5B, with muscular dystrophy (EBS5B). Also called: EPIDERMOLYSIS BULLOSA SIMPLEX AND LIMB-GIRDLE MUSCULAR DYSTROPHY; Epidermolysis bullosa simplex with muscular dystrophy. Identifiers: Orphanet 257, MedGen C2931072, MONDO:0009181, OMIM 226670.

Allele frequency attached by ClinVar (database versions not stated): gnomAD exomes below 0.00001; ExAC 0.00001; gnomAD 0.00001.
gnomAD v4.1: 6 of 1,613,832 alleles (0.00037%); highest among the groups gnomAD compares: African/African-American, 0.0053%; no homozygotes.

Submissions (2):

PreventionGenetics, part of Exact Sciences
Classification: Likely benign for PLEC-related condition. Last evaluated: 2026-08-20. Review status: criteria provided, single submitter. Criteria: ACMG Guidelines, 2015. Collection method: clinical testing. Allele origin: germline.
Comment: This variant is classified as likely benign based on ACMG/AMP sequence variant interpretation guidelines (Richards et al. 2015 PMID: 25741868, with internal and published modifications).

Labcorp Genetics (formerly Invitae), Labcorp
Classification: Likely benign for Autosomal recessive limb-girdle muscular dystrophy type 2Q; Epidermolysis bullosa simplex, Ogna type; Epidermolysis bullosa simplex with nail dystrophy; Epidermolysis bullosa simplex 5C, with pyloric atresia; Epidermolysis bullosa simplex 5B, with muscular dystrophy. Last evaluated: 2024-10-29. Review status: criteria provided, single submitter. Criteria: Invitae Variant Classification Sherloc (09022015). Collection method: clinical testing. Allele origin: germline.